The following is an entry in ClinVar:

NM_023067.4(FOXL2):c.184C>T (p.Leu62Phe)

Gene: FOXL2 (forkhead box L2; minus strand). Cytogenetic location: 3q22.3.
Variant type: single nucleotide variant.
Coding change: c.184C>T on transcript NM_023067.4 (MANE Select); coding-DNA position 184, C replaced by T.
Protein change: p.Leu62Phe; replaces leucine 62 with phenylalanine.
Molecular consequence: missense variant.
Genome position (GRCh38, 1-based): chr3:138,946,539, G>A on the plus strand (C>T on the coding strand, the complement: FOXL2 is on the minus strand). VCF-style: chr3-138946539-G-A. GRCh37 (hg19) VCF-style: chr3-138665381-G-A.
Other names: short protein forms L62F.
Identifiers: ClinVar variation 1329598 (VCV001329598.2), dbSNP rs2107744905, ClinGen allele CA354707504.

ClinVar aggregate classification (germline): Uncertain significance (1 of 4 stars; one submission).

Submission:

GeneDx
Classification: Uncertain significance. Last evaluated: 2021-06-26. Review status: criteria provided, single submitter. Criteria: GeneDx Variant Classification Process June 2021. Collection method: clinical testing. Allele origin: germline. Affected: yes.
Comment: Not observed at significant frequency in large population cohorts (Lek et al., 2016); In silico analysis supports that this missense variant has a deleterious effect on protein structure/function; Has not been previously published as pathogenic or benign to our knowledge; This variant is associated with the following publications: (PMID: 27535533)